The following is an entry in ClinVar:

ClinVar aggregate classification (germline): Uncertain significance (1 of 4 stars; one submission).

gnomAD v4.1: 7 of 1,574,090 alleles (0.00044%); highest among the groups gnomAD compares: East Asian, 0.014%; no homozygotes.

Submission:

Labcorp Genetics (formerly Invitae), Labcorp
Classification: Uncertain significance. Last evaluated: 2025-11-12. Review status: criteria provided, single submitter. Criteria: Invitae Variant Classification Sherloc (09022015). Collection method: clinical testing. Allele origin: germline.
Comment: This sequence change replaces methionine, which is neutral and non-polar, with valine, which is neutral and non-polar, at codon 423 of the CACNA1E protein (p.Met423Val). This variant is present in population databases (rs746405819, gnomAD 0.06%). This variant has not been reported in the literature in individuals affected with CACNA1E-related conditions. Invitae Evidence Modeling of protein sequence and biophysical properties (such as structural, functional, and spatial information, amino acid conservation, physicochemical variation, residue mobility, and thermodynamic stability) has been performed for this missense variant. However, the output from this modeling did not meet the statistical confidence thresholds required to predict the impact of this variant on CACNA1E protein function. In summary, the available evidence is currently insufficient to determine the role of this variant in disease. Therefore, it has been classified as a Variant of Uncertain Significance.

NM_001205293.3(CACNA1E):c.1267A>G (p.Met423Val)

Gene: CACNA1E (calcium voltage-gated channel subunit alpha1 E; plus strand). Cytogenetic location: 1q25.3.
Variant type: single nucleotide variant.
Coding change: c.1267A>G on transcript NM_001205293.3 (MANE Select); coding-DNA position 1267, A replaced by G.
Protein change: p.Met423Val; replaces methionine 423 with valine.
Molecular consequence: missense variant.
Genome position (GRCh38, 1-based): chr1:181,716,081, A>G. VCF-style: chr1-181716081-A-G. GRCh37 (hg19) VCF-style: chr1-181685217-A-G.
Other names: c.1267A>G, p.Met423Val (NM_000721.4, NM_001205294.2); short protein forms M423V.
Identifiers: ClinVar variation 4699582 (VCV004699582.1).
Genomic context (GRCh38, chr1:181,716,081, plus strand): 5'-TTCCCTTTCCCTGATGCAGTGCTTCGAAGGGCAACCATCAAGAGGAGCCGGACAGAGGCC[A>G]TGACTCGAGACTCCAGTGATGAGCACTGTGTTGATATCTCCTCTGTGGGTGAGTGGATCC-3'
Protein context (NP_001192222.1, residues 413-433): ATIKRSRTEA[Met423Val]TRDSSDEHCV